The following is an entry in ClinVar:

NM_000310.4(PPT1):c.856G>A (p.Glu286Lys)

Gene: PPT1 (palmitoyl-protein thioesterase 1; minus strand). Cytogenetic location: 1p34.2.
Variant type: single nucleotide variant.
Coding change: c.856G>A on transcript NM_000310.4 (MANE Select); coding-DNA position 856, G replaced by A.
Protein change: p.Glu286Lys; replaces glutamic acid 286 with lysine.
Molecular consequence: missense variant.
Genome position (GRCh38, 1-based): chr1:40,074,126, C>T on the plus strand (G>A on the coding strand, the complement: PPT1 is on the minus strand). VCF-style: chr1-40074126-C-T. GRCh37 (hg19) VCF-style: chr1-40539798-C-T.
Other names: c.547G>A, p.Glu183Lys (NM_001142604.2); c.784G>A, p.Glu262Lys (NM_001363695.2); short protein forms E286K, E262K, E183K.
Identifiers: ClinVar variation 660378 (VCV000660378.8), dbSNP rs141405110, ClinGen allele CA789546.

ClinVar aggregate classification (germline): Uncertain significance. Review status: criteria provided, multiple submitters, no conflicts (2 of 4 stars). 4 submissions from 4 submitters: Uncertain significance (3). 1 of the submissions does not count toward it. Last evaluated 2024-11-05.

Conditions:
Inborn genetic diseases. Identifiers: MedGen C0950123, MeSH D030342.
Neuronal ceroid lipofuscinosis 1 (CLN1). Also called: PPT1-Related Neuronal Ceroid-Lipofuscinosis; CEROID LIPOFUSCINOSIS, NEURONAL, 1, VARIABLE AGE AT ONSET. Identifiers: Orphanet 228329, MedGen C1850451, MONDO:0009744, OMIM 256730.

Allele frequency attached by ClinVar (database versions not stated): gnomAD exomes 0.00002 and 0.00006; TOPMed 0.00004; gnomAD 0.00005; ExAC 0.00007; ESP Exome Variant Server 0.00008.
gnomAD v4.1: 33 of 1,614,090 alleles (0.002%); highest among the groups gnomAD compares: South Asian, 0.023%; no homozygotes.

Submissions (4):

Labcorp Genetics (formerly Invitae), Labcorp
Classification: Uncertain significance for Neuronal ceroid lipofuscinosis 1. Last evaluated: 2024-11-05. Review status: criteria provided, single submitter. Criteria: Invitae Variant Classification Sherloc (09022015). Collection method: clinical testing. Allele origin: germline.
Comment: This sequence change replaces glutamic acid, which is acidic and polar, with lysine, which is basic and polar, at codon 286 of the PPT1 protein (p.Glu286Lys). This variant is present in population databases (rs141405110, gnomAD 0.04%). This variant has not been reported in the literature in individuals affected with PPT1-related conditions. ClinVar contains an entry for this variant (Variation ID: 660378). Invitae Evidence Modeling of protein sequence and biophysical properties (such as structural, functional, and spatial information, amino acid conservation, physicochemical variation, residue mobility, and thermodynamic stability) indicates that this missense variant is not expected to disrupt PPT1 protein function with a negative predictive value of 80%. In summary, the available evidence is currently insufficient to determine the role of this variant in disease. Therefore, it has been classified as a Variant of Uncertain Significance.

Ambry Genetics
Classification: Uncertain significance for Inborn genetic diseases. Last evaluated: 2024-07-02. Review status: criteria provided, single submitter. Criteria: Ambry Variant Classification Scheme 2023. Collection method: clinical testing. Allele origin: germline.

Revvity Omics, Revvity
Classification: Uncertain significance for Neuronal ceroid lipofuscinosis 1. Last evaluated: 2021-10-13. Review status: criteria provided, single submitter. Criteria: ACMG Guidelines, 2015. Collection method: clinical testing. Allele origin: germline.

Natera, Inc.
Classification: Uncertain significance for Neuronal ceroid lipofuscinosis 1. Last evaluated: 2020-04-30. Review status: no assertion criteria provided. Collection method: clinical testing. Allele origin: germline. Not counted in ClinVar's aggregate classification.